The following is an entry in ClinVar:

ClinVar aggregate classification (germline): Uncertain significance (1 of 4 stars; one submission).

Submission:

Labcorp Genetics (formerly Invitae), Labcorp
Classification: Uncertain significance. Last evaluated: 2022-05-08. Review status: criteria provided, single submitter. Criteria: Invitae Variant Classification Sherloc (09022015). Collection method: clinical testing. Allele origin: germline.
Comment: In summary, the available evidence is currently insufficient to determine the role of this variant in disease. Therefore, it has been classified as a Variant of Uncertain Significance. This variant has not been reported in the literature in individuals affected with LRIT3-related conditions. Information on the frequency of this variant in the gnomAD database is not available, as this variant may be reported differently in the database. This sequence change creates a premature translational stop signal (p.Gln106*) in the LRIT3 gene. It is expected to result in an absent or disrupted protein product. However, the current clinical and genetic evidence is not sufficient to establish whether loss-of-function variants in LRIT3 cause disease.

NM_198506.5(LRIT3):c.315_316delinsAT (p.Gln106Ter)

Gene: LRIT3 (leucine rich repeat, Ig-like and transmembrane domains 3; plus strand). Cytogenetic location: 4q25.
Variant type: Indel.
Coding change: c.315_316delinsAT on transcript NM_198506.5 (MANE Select); coding-DNA positions 315 to 316, GC replaced by AT.
Protein change: p.Gln106Ter; replaces glutamine 106 with a stop codon.
Molecular consequence: nonsense.
Genome position (GRCh38, 1-based): chr4:109,851,702-109,851,703, GC replaced by AT. VCF-style: chr4-109851702-GC-AT. GRCh37 (hg19) VCF-style: chr4-110772858-GC-AT.
Other names: short protein forms Q106*.
Identifiers: ClinVar variation 2107088 (VCV002107088.4), dbSNP rs2545578891, ClinGen allele CA2580071363.
Genomic context (GRCh38, chr4:109,851,702, plus strand): 5'-TCTCTGGGTGACTTACAATTCCGTGGCCAGCATTGACCCCAGCAGCTTTTACAACCTGAA[GC>AT]AACTGCATGAGTTGCGCTTGGATGGGAATTCTCTGGCTGCTTTCCCTTGGGCATCTCTGC-3'